The following is an entry in ClinVar:

ClinVar aggregate classification (germline): Uncertain significance (1 of 4 stars; one submission).

Conditions:
Combined immunodeficiency due to DOCK8 deficiency (HIES2). Also called: HIES autosomal recessive; HYPER-IgE SYNDROME 2, AUTOSOMAL RECESSIVE, WITH RECURRENT INFECTIONS; DOCK8 Deficiency; Hyper-IgE recurrent infection syndrome, autosomal recessive; HYPER-IgE RECURRENT INFECTION SYNDROME 2, AUTOSOMAL RECESSIVE. Identifiers: Orphanet 217390, MedGen C4722305, MONDO:0009478, OMIM 243700.

Allele frequency attached by ClinVar (database versions not stated): gnomAD exomes below 0.00001.
gnomAD v4.1: 1 of 1,612,240 alleles (0.000062%); highest among the groups gnomAD compares: Non-Finnish European, 0.000085%; no homozygotes.

Submission:

Labcorp Genetics (formerly Invitae), Labcorp
Classification: Uncertain significance for Combined immunodeficiency due to DOCK8 deficiency. Last evaluated: 2021-09-02. Review status: criteria provided, single submitter. Criteria: Invitae Variant Classification Sherloc (09022015). Collection method: clinical testing. Allele origin: germline.
Comment: In summary, the available evidence is currently insufficient to determine the role of this variant in disease. Therefore, it has been classified as a Variant of Uncertain Significance. Variants that disrupt the consensus splice site are a relatively common cause of aberrant splicing (PMID: 17576681, 9536098). Algorithms developed to predict the effect of sequence changes on RNA splicing suggest that this variant may disrupt the consensus splice site. This variant has not been reported in the literature in individuals affected with DOCK8-related conditions. This variant is not present in population databases (ExAC no frequency). This sequence change falls in intron 34 of the DOCK8 gene. It does not directly change the encoded amino acid sequence of the DOCK8 protein. It affects a nucleotide within the consensus splice site of the intron.

Literature cited by the submitters: PubMed 17576681; PubMed 9536098.

NM_203447.4(DOCK8):c.4338+5G>A

Gene: DOCK8 (dedicator of cytokinesis 8; plus strand). Cytogenetic location: 9p24.3.
Variant type: single nucleotide variant.
Coding change: c.4338+5G>A on transcript NM_203447.4 (MANE Select); 5 bases into the intron after coding-DNA position 4338, G replaced by A.
Molecular consequence: intron variant.
Genome position (GRCh38, 1-based): chr9:426,986, G>A. VCF-style: chr9-426986-G-A. GRCh37 (hg19) VCF-style: chr9-426986-G-A.
Other names: c.4134+5G>A (NM_001193536.2); c.4038+5G>A (NM_001190458.2).
Identifiers: ClinVar variation 1525942 (VCV001525942.6), dbSNP rs2131693367, ClinGen allele CA2573144458.